The following is an entry in ClinVar:

ClinVar aggregate classification (germline): Benign. Review status: criteria provided, multiple submitters, no conflicts (2 of 4 stars). 4 submissions from 4 submitters: Benign (4). Last evaluated 2026-08-25.

Conditions:
RNF31-related disorder. Also called: RNF31-related condition.

Allele frequency attached by ClinVar (database versions not stated): gnomAD exomes 0.00181; ExAC 0.00208; 1000 Genomes Project 30x 0.00437; 1000 Genomes Project 0.00479; ESP Exome Variant Server 0.00613; gnomAD 0.00671 and 0.00733; TOPMed 0.00763.
gnomAD v4.1: 2,151 of 1,614,170 alleles (0.13%); highest among the groups gnomAD compares: African/African-American, 2.4%; 20 homozygotes.

Submissions (4):

PreventionGenetics, part of Exact Sciences
Classification: Benign for RNF31-related condition. Last evaluated: 2026-08-25. Review status: criteria provided, single submitter. Criteria: ACMG Guidelines, 2015. Collection method: clinical testing. Allele origin: germline.
Comment: This variant is classified as benign based on ACMG/AMP sequence variant interpretation guidelines (Richards et al. 2015 PMID: 25741868, with internal and published modifications).

Labcorp Genetics (formerly Invitae), Labcorp
Classification: Benign. Last evaluated: 2026-02-01. Review status: criteria provided, single submitter. Criteria: Invitae Variant Classification Sherloc (09022015). Collection method: clinical testing. Allele origin: germline.

Mayo Clinic Laboratories, Mayo Clinic
Classification: Benign. Last evaluated: 2023-11-09. Review status: criteria provided, single submitter. Criteria: ACMG Guidelines, 2015. Collection method: clinical testing. Allele origin: germline. Observed: 2 variant alleles.
Comment: BS1, BS2, BP4, BP7

Breakthrough Genomics
Classification: Benign. Review status: criteria provided, single submitter. Criteria: ACMG Guidelines, 2015. Collection method: not provided. Allele origin: germline. Inheritance: Unknown mechanism. Affected: yes.

NM_017999.5(RNF31):c.1803C>T (p.His601=)

Gene: RNF31 (ring finger protein 31; plus strand). Cytogenetic location: 14q12.
Variant type: single nucleotide variant.
Coding change: c.1803C>T on transcript NM_017999.5 (MANE Select); coding-DNA position 1803, C replaced by T.
Protein change: p.His601=; no amino-acid change (histidine 601 retained).
Molecular consequence: synonymous variant.
Genome position (GRCh38, 1-based): chr14:24,151,550, C>T. VCF-style: chr14-24151550-C-T. GRCh37 (hg19) VCF-style: chr14-24620759-C-T.
Other names: p.His601=; c.1350C>T, p.His450= (NM_001310332.2); c.1803C>T (NM_017999.4).
Identifiers: ClinVar variation 1167577 (VCV001167577.12), dbSNP rs111795824, ClinGen allele CA7125889.
Genomic context (GRCh38, chr14:24,151,550, plus strand): 5'-GGAGCTCCAGTCTCTAGGCTTTGGGCCTGAGGAGGGGTCTCTCCAGGCATTGTTCCAGCA[C>T]GGAGGTGATGTGTCACGGGCCCTGACTGAGCTACAGCGCCAACGCCTAGAGCCCTTCCGC-3'
Protein context (NP_060469.4, residues 591-611): EEGSLQALFQ[His601=]GGDVSRALTE